The following is an entry in ClinVar:

ClinVar aggregate classification (germline): Uncertain significance. Review status: criteria provided, multiple submitters, no conflicts (2 of 4 stars). 2 submissions from 2 submitters: Uncertain significance (2). Last evaluated 2026-01-03.

Conditions:
Inborn genetic diseases. Identifiers: MedGen C0950123, MeSH D030342.

Allele frequency attached by ClinVar (database versions not stated): gnomAD 0.00013 and 0.00014; 1000 Genomes Project 30x 0.00031; 1000 Genomes Project 0.00040.
gnomAD v4.1: 224 of 1,613,646 alleles (0.014%); highest among the groups gnomAD compares: Admixed American, 0.025%; no homozygotes.

Submissions (2):

Labcorp Genetics (formerly Invitae), Labcorp
Classification: Uncertain significance. Last evaluated: 2026-01-03. Review status: criteria provided, single submitter. Criteria: Invitae Variant Classification Sherloc (09022015). Collection method: clinical testing. Allele origin: germline.
Comment: This sequence change replaces valine, which is neutral and non-polar, with aspartic acid, which is acidic and polar, at codon 660 of the DSG1 protein (p.Val660Asp). This variant is present in population databases (rs201160049, gnomAD 0.03%). This variant has not been reported in the literature in individuals affected with DSG1-related conditions. ClinVar contains an entry for this variant (Variation ID: 1412298). Invitae Evidence Modeling of protein sequence and biophysical properties (such as structural, functional, and spatial information, amino acid conservation, physicochemical variation, residue mobility, and thermodynamic stability) indicates that this missense variant is not expected to disrupt DSG1 protein function with a negative predictive value of 80%. In summary, the available evidence is currently insufficient to determine the role of this variant in disease. Therefore, it has been classified as a Variant of Uncertain Significance.

Ambry Genetics
Classification: Uncertain significance for Inborn genetic diseases. Last evaluated: 2025-01-19. Review status: criteria provided, single submitter. Criteria: Ambry Variant Classification Scheme 2023. Collection method: clinical testing. Allele origin: germline.

NM_001942.4(DSG1):c.1979T>A (p.Val660Asp)

Genes: DSG1 (desmoglein 1; plus strand), DSG1-AS1 (DSG1 antisense RNA 1; minus strand). Cytogenetic location: 18q12.1.
Variant type: single nucleotide variant.
Coding change: c.1979T>A on transcript NM_001942.4 (MANE Select); coding-DNA position 1979, T replaced by A.
Protein change: p.Val660Asp; replaces valine 660 with aspartic acid.
Molecular consequence: missense variant.
Genome position (GRCh38, 1-based): chr18:31,346,077, T>A. VCF-style: chr18-31346077-T-A. GRCh37 (hg19) VCF-style: chr18-28926040-T-A.
Other names: c.1979T>A (NM_001942.2); short protein forms V660D.
Identifiers: ClinVar variation 1412298 (VCV001412298.9), dbSNP rs201160049, ClinGen allele CA8926241.